The following is an entry in ClinVar:

ClinVar aggregate classification (germline): Likely benign. Review status: criteria provided, multiple submitters, no conflicts (2 of 4 stars). 2 submissions from 2 submitters: Likely benign (2). Last evaluated 2025-01-21.

Conditions:
Familial cancer of breast. Also called: Hereditary breast cancer; hereditary breast carcinoma; BREAST CANCER, FAMILIAL. Identifiers: Orphanet 227535, MedGen C0346153, MONDO:0016419, OMIM 114480. Disease mechanism: loss of function.

Submissions (2):

Myriad Genetics, Inc.
Classification: Likely benign for Familial cancer of breast. Last evaluated: 2025-01-21. Review status: criteria provided, single submitter. Criteria: Myriad Autosomal Dominant, Autosomal Recessive and X-Linked Classification Criteria (2023). Collection method: clinical testing. Allele origin: unknown.
Comment: This variant is considered likely benign. This variant is intronic and is not expected to impact mRNA splicing.

Labcorp Genetics (formerly Invitae), Labcorp
Classification: Likely benign for Familial cancer of breast. Last evaluated: 2024-05-06. Review status: criteria provided, single submitter. Criteria: Invitae Variant Classification Sherloc (09022015). Collection method: clinical testing. Allele origin: germline.

NM_024675.4(PALB2):c.3113+7T>C

Gene: PALB2 (partner and localizer of BRCA2; minus strand). Cytogenetic location: 16p12.2.
Variant type: single nucleotide variant.
Coding change: c.3113+7T>C on transcript NM_024675.4 (MANE Select); 7 bases into the intron after coding-DNA position 3113, T replaced by C.
Molecular consequence: intron variant.
Genome position (GRCh38, 1-based): chr16:23,621,355, A>G on the plus strand (T>C on the coding strand, the complement: PALB2 is on the minus strand). VCF-style: chr16-23621355-A-G. GRCh37 (hg19) VCF-style: chr16-23632676-A-G.
Other names: c.2228+7T>C (NM_001407308.1, NM_001407306.1, NM_001407309.1 and 4 more transcripts); c.647+7T>C (NM_001407314.1); c.1325+7T>C (NM_001407313.1, NM_001407312.1); c.3053+7T>C (NM_001407296.1); c.3041+7T>C (NM_001407297.1); c.2951+7T>C (NM_001407302.1, NM_001407298.1); c.2834+2654T>C (NM_001407300.1); c.3113+7T>C (NM_001407299.1, NM_001407301.1); and 1 more.
Identifiers: ClinVar variation 3624620 (VCV003624620.3).
Genomic context (GRCh38, chr16:23,621,355, plus strand): 5'-CTGTAAAATTAGAGGTATATCCTCATACTACAGATGAGGGAACTGAGGACCTAGAGGGAA[A>G]GCTTACCAAATAACAATGTTGTTCATAATAGTAGTACCAAGCAGAGCTTCTTGCATCCCT-3'